The following is an entry in ClinVar:

ClinVar aggregate classification (germline): Uncertain significance. Review status: criteria provided, multiple submitters, no conflicts (2 of 4 stars). 3 submissions from 3 submitters: Uncertain significance (3). Last evaluated 2025-11-24.

Conditions:
Bethlem myopathy 1A. Also called: MYOPATHY, BENIGN CONGENITAL, WITH CONTRACTURES; Bethlem myopathy 1; Bethlem Muscular Dystrophy. Identifiers: Orphanet 610, MedGen CN029274, MONDO:0024530, OMIM 158810.
Inborn genetic diseases. Identifiers: MedGen C0950123, MeSH D030342.

Allele frequency attached by ClinVar (database versions not stated): ExAC 0.00001; gnomAD exomes 0.00001; TOPMed 0.00001.
gnomAD v4.1: 9 of 1,613,062 alleles (0.00056%); highest among the groups gnomAD compares: East Asian, 0.0022%; no homozygotes.

Submissions (3):

Labcorp Genetics (formerly Invitae), Labcorp
Classification: Uncertain significance for Bethlem myopathy 1A. Last evaluated: 2025-11-24. Review status: criteria provided, single submitter. Criteria: Invitae Variant Classification Sherloc (09022015). Collection method: clinical testing. Allele origin: germline.
Comment: This sequence change replaces aspartic acid, which is acidic and polar, with asparagine, which is neutral and polar, at codon 678 of the COL6A2 protein (p.Asp678Asn). This variant is present in population databases (rs769961720, gnomAD 0.003%). This variant has not been reported in the literature in individuals affected with COL6A2-related conditions. ClinVar contains an entry for this variant (Variation ID: 2469978). Invitae Evidence Modeling of protein sequence and biophysical properties (such as structural, functional, and spatial information, amino acid conservation, physicochemical variation, residue mobility, and thermodynamic stability) indicates that this missense variant is expected to disrupt COL6A2 protein function with a positive predictive value of 80%. In summary, the available evidence is currently insufficient to determine the role of this variant in disease. Therefore, it has been classified as a Variant of Uncertain Significance.

Blueprint Genetics
Classification: Uncertain significance. Last evaluated: 2024-04-02. Review status: criteria provided, single submitter. Criteria: ACMG Guidelines, 2015. Collection method: clinical testing. Allele origin: germline.

Ambry Genetics
Classification: Uncertain significance for Inborn genetic diseases. Last evaluated: 2023-03-14. Review status: criteria provided, single submitter. Criteria: Ambry Variant Classification Scheme 2023. Collection method: clinical testing. Allele origin: germline.

NM_001849.4(COL6A2):c.2032G>A (p.Asp678Asn)

Gene: COL6A2 (collagen type VI alpha 2 chain; plus strand). Cytogenetic location: 21q22.3.
Variant type: single nucleotide variant.
Coding change: c.2032G>A on transcript NM_001849.4 (MANE Select); coding-DNA position 2032, G replaced by A.
Protein change: p.Asp678Asn; replaces aspartic acid 678 with asparagine.
Molecular consequence: missense variant.
Genome position (GRCh38, 1-based): chr21:46,125,847, G>A. VCF-style: chr21-46125847-G-A. GRCh37 (hg19) VCF-style: chr21-47545761-G-A.
Other names: c.2032G>A, p.Asp678Asn (NM_058174.3, NM_058175.3); short protein forms D678N.
Identifiers: ClinVar variation 2469978 (VCV002469978.6), dbSNP rs769961720, ClinGen allele CA10072419.